The following is an entry in ClinVar:

ClinVar aggregate classification (germline): Pathogenic. Review status: reviewed by expert panel (3 of 4 stars). 11 submissions from 11 submitters: Pathogenic (1). 10 of the submissions do not count toward it. Last evaluated 2025-10-07.

Conditions:
von Willebrand disorder (VWD). Also called: von Willebrand Diseases; Von Willebrand disease (hereditary or acquired); von Willebrand's disease. Identifiers: MedGen C0042974, MeSH D014842, MONDO:0024574.
Von Willebrand disease type 2B. Identifiers: Orphanet 166087, MedGen C1282971, MONDO:0015629.
von Willebrand disease type 1 (VWD1). Also called: VON WILLEBRAND DISEASE, TYPE I; VWD, TYPE 1. Identifiers: Orphanet 166078, Orphanet 903, MedGen C1264039, MONDO:0008668, OMIM 193400. Inheritance: autosomal recessive or autosomal dominant.
von Willebrand disease type 2 (VWD2). Also called: VON WILLEBRAND DISEASE, TYPE 2A/IIE; VON WILLEBRAND DISEASE, TYPE 2CB; VON WILLEBRAND DISEASE, TYPE II; VWD, TYPE 2. Identifiers: Orphanet 166081, Orphanet 903, MedGen C1264040, MONDO:0013304, OMIM 613554.

Allele frequency attached by ClinVar (database versions not stated): gnomAD exomes 0.00001 and 0.00002; ExAC 0.00004; gnomAD 0.00004 and 0.00005; TOPMed 0.00006.
gnomAD v4.1: 30 of 1,613,842 alleles (0.0019%); highest among the groups gnomAD compares: Admixed American, 0.013%; no homozygotes.

Submissions 1 to 5 of 11:

ClinGen von Willebrand Disease Variant Curation Expert Panel, ClinGen
Classification: Pathogenic for Von Willebrand disease type 2B. Last evaluated: 2025-10-07. Review status: reviewed by expert panel. Criteria: ClinGen VWD 2A B M Rules. Collection method: curation. Allele origin: germline. Inheritance: Autosomal dominant inheritance.
Comment: The NM_000552.5:c.4021C>T variant in VWF is a missense variant predicted to cause substitution of arginine by tryptophan at amino acid 1341. At least 1 patient with this variant displayed excessive mucocutaneous bleeding as well as a laboratory phenotype of loss of high molecular weight multimers and an enhanced RIPA assay showing gain of function, which together are highly specific for VWD type 2B. (PP4_moderate, PMID 20118404). VWF antigen/activity ratio was consistent with type 2B which is consistent with VWD type 2B. This variant has been reported in 4 additional probands meeting PP4 laboratory phenotype criteria for VWD 2B (PS4; PMIDs 26456374, 18805962, 9723578). The Grpmax filtering allele frequency in gnomAD v4.1 is 0.00006615 (based on 8/60002 alleles in the admixed American population), which is lower than the ClinGen VWD VCEP threshold of <0.0001 for type 2B (PM2_Supporting). The computational predictor REVEL gives a score of 0.889, which is above the ClinGen VWD VCEP threshold of >0.644 and predicts a damaging effect on VWF function (PP3). Another missense variant c.4022G>A (p.Arg1341Gln) in the same codon has been classified as pathogenic for VWD 2B by the ClinGen VWD VCEP (PM5). Splicing prediction using SpliceAI revealed no expected effects on splicing due to any of these variants. In summary, this variant meets the criteria to be classified as pathogenic for autosomal dominant von Willebrand disease 2B based on the ACMG/AMP criteria applied, as specified by the ClinGen VWD VCEP: PP4_Moderate, PS4, PM2_Supporting, PP3, PM5 (ClinGen von Willebrand Disease Expert Panel Specifications to the ACMG/AMP Variant Interpretation Guidelines for VWF Version 1.0.0)

Women's Health and Genetics/Laboratory Corporation of America, LabCorp
Classification: Pathogenic for von Willebrand disorder. Last evaluated: 2026-03-11. Review status: criteria provided, single submitter. Criteria: LabCorp Variant Classification Summary - May 2015. Collection method: clinical testing. Allele origin: germline. Not counted in ClinVar's aggregate classification.
Comment: Variant summary: VWF c.4021C>T (p.Arg1341Trp) results in a non-conservative amino acid change located in the von Willebrand factor, type A domain (IPR002035) of the encoded protein sequence. Algorithms developed to predict the effect of missense changes on protein structure and function all suggest that this variant is likely to be disruptive. The variant allele was found at a frequency of 2.4e-05 in 250698 control chromosomes (gnomAD). c.4021C>T has been observed in multiple individuals affected with Von Willebrand Disease (e.g. Casana_1998, Federici_2009, Sadler_2021). These data indicate that the variant is very likely to be associated with disease. At least one publication reports experimental evidence evaluating an impact on protein function, finding that the variant results in increased binding to GPIba (Langer_2014). The following publications have been ascertained in the context of this evaluation (PMID: 9723578, 18805962, 33556167, 24337418). ClinVar contains an entry for this variant (Variation ID: 100316). Based on the evidence outlined above, the variant was classified as pathogenic.

Variantyx, Inc.
Classification: Pathogenic for von Willebrand disease type 2. Last evaluated: 2025-12-02. Review status: criteria provided, single submitter. Criteria: Variantyx Assertion Criteria 2022. Collection method: clinical testing. Allele origin: germline. Inheritance: Autosomal dominant inheritance. Affected: yes. Not counted in ClinVar's aggregate classification.
Comment: This is a nonsynonymous variant in the VWF gene (OMIM: 613160). Pathogenic variants in this gene have been associated with autosomal dominant or autosomal recessive von Willebrand disease types 2A, 2B, 2M, and 2N. This variant has been reported in at least three unrelated individuals with autosomal dominant VWD type 2B (PMID: 18805962, 33556167) (PS4_Moderate) and it has been observed to segregate with disease in at least two individuals from one family (PMID: 9723578) (PP1). The biochemical phenotype of individuals from this family was highly specific for VWD type 2B, which has a limited genetic etiology (PMID: 9723578) (PP4). Functional studies have shown that this variant alters VWF protein function (PMID: 24337418) (PS3) and multiple computational algorithms predict a deleterious effect for this variant (REVEL score: 0.889) (PP3).Moreover, an alternate amino acid change at this position (p.Arg1341Gln) has been previously reported in similarly affected individuals, which suggests that this residue is biologically important (PM5_Supporting). This variant has a 0.0133% maximum allele frequency in non-founder control populations. Based on the evidence, this variant is classified as pathogenic for autosomal dominant von Willebrand disease type 2B.

Victorian Clinical Genetics Services, Murdoch Childrens Research Institute
Classification: Pathogenic for von Willebrand disease type 2. Last evaluated: 2025-11-20. Review status: criteria provided, single submitter. Criteria: ACMG Guidelines, 2015. Collection method: clinical testing. Allele origin: germline. Affected: no. Not counted in ClinVar's aggregate classification.
Comment: This variant is classified as Pathogenic. Evidence in support of pathogenic classification: Variant is present in gnomAD <0.01 (v4: 30 heterozygote(s), 0 homozygote(s)); This variant has very strong previous evidence of pathogenicity in unrelated individuals. It has been classified as likely pathogenic and pathogenic by clinical laboratories in ClinVar and reported in the literature in individuals with autosomal dominant von Willebrand disease, mostly type 2B (PMIDs: 40820832, 26456374, 39002731); Missense variant predicted to be damaging by in silico tool(s) or highly conserved with a major amino acid change. Additional information: Variant is predicted to result in a missense amino acid change from Arg to Trp; This variant is heterozygous; This gene is associated with both recessive and dominant disease. VWD can be both dominantly and recessively inherited, and is categorised into six different types: 1 (MIM#193400), 2A, 2B, 2M, 2N (MIM#613554) and 3 (MIM#277480); Alternative amino acid change(s) at the same position are present in gnomAD (highest allele count: v4: 2 heterozygote(s), 0 homozygote(s)); Variant is located in the annotated von Willebrand factor type A domain (DECIPHER); Dominant negative, gain of function and loss of function are known mechanisms of disease in this gene and are associated with von Willebrand disease (VWD) (OMIM, PMID: 30488424); The condition associated with this gene has incomplete penetrance (PMID: 19372260); Variants in this gene are known to have variable expressivity (PMID: 19372260).

Genomic Medicine Center of Excellence, King Faisal Specialist Hospital and Research Centre
Classification: Likely pathogenic for von Willebrand disease type 1. Last evaluated: 2024-12-19. Review status: criteria provided, single submitter. Criteria: ACMG Guidelines, 2015. Collection method: clinical testing. Allele origin: germline. Not counted in ClinVar's aggregate classification.

NM_000552.5(VWF):c.4021C>T (p.Arg1341Trp)

Gene: VWF (von Willebrand factor; minus strand). Cytogenetic location: 12p13.31.
Variant type: single nucleotide variant.
Coding change: c.4021C>T on transcript NM_000552.5 (MANE Select); coding-DNA position 4021, C replaced by T.
Protein change: p.Arg1341Trp; replaces arginine 1341 with tryptophan.
Molecular consequence: missense variant.
Genome position (GRCh38, 1-based): chr12:6,019,397, G>A on the plus strand (C>T on the coding strand, the complement: VWF is on the minus strand). VCF-style: chr12-6019397-G-A. GRCh37 (hg19) VCF-style: chr12-6128563-G-A.
Other names: p.Arg1341Trp; NM_000552.5(VWF):c.4021C>T; c.4021C>T (NM_000552.4); short protein forms R1341W.
Identifiers: ClinVar variation 100316 (VCV000100316.13), dbSNP rs61749402, ClinGen allele CA228514.